The following is an entry in ClinVar:

ClinVar aggregate classification (germline): Uncertain significance (1 of 4 stars; one submission).

Conditions:
Cardiovascular phenotype. Identifiers: MedGen CN230736.

gnomAD v4.1: 2 of 1,593,016 alleles (0.00013%); highest among the groups gnomAD compares: Non-Finnish European, 0.00017%; no homozygotes.

Submission:

Ambry Genetics
Classification: Uncertain significance for Cardiovascular phenotype. Last evaluated: 2021-08-19. Review status: criteria provided, single submitter. Criteria: Ambry Variant Classification Scheme 2023. Collection method: clinical testing. Allele origin: germline.
Comment: The p.P75A variant (also known as c.223C>G), located in coding exon 1 of the FKRP gene, results from a C to G substitution at nucleotide position 223. The proline at codon 75 is replaced by alanine, an amino acid with highly similar properties. This amino acid position is conserved. In addition, the in silico prediction for this alteration is inconclusive. Since supporting evidence is limited at this time, the clinical significance of this alteration remains unclear.

NM_024301.5(FKRP):c.223C>G (p.Pro75Ala)

Gene: FKRP (fukutin related protein; plus strand). Cytogenetic location: 19q13.32.
Variant type: single nucleotide variant.
Coding change: c.223C>G on transcript NM_024301.5 (MANE Select); coding-DNA position 223, C replaced by G.
Protein change: p.Pro75Ala; replaces proline 75 with alanine.
Molecular consequence: missense variant.
Genome position (GRCh38, 1-based): chr19:46,755,673, C>G. VCF-style: chr19-46755673-C-G. GRCh37 (hg19) VCF-style: chr19-47258930-C-G.
Other names: c.223C>G, p.Pro75Ala (NM_001039885.3); short protein forms P75A.
Identifiers: ClinVar variation 1788246 (VCV001788246.2), dbSNP rs1440886587, ClinGen allele CA406494911.